The following is an entry in ClinVar:

ClinVar aggregate classification (germline): Uncertain significance (1 of 4 stars; one submission).

Conditions:
3-Methylglutaconic aciduria type 2 (BTHS). Also called: Barth syndrome; CARDIOSKELETAL MYOPATHY WITH NEUTROPENIA AND ABNORMAL MITOCHONDRIA. Identifiers: Orphanet 111, MedGen C0574083, MONDO:0010543, OMIM 302060.

Submission:

Labcorp Genetics (formerly Invitae), Labcorp
Classification: Uncertain significance for 3-Methylglutaconic aciduria type 2. Last evaluated: 2024-09-25. Review status: criteria provided, single submitter. Criteria: Invitae Variant Classification Sherloc (09022015). Collection method: clinical testing. Allele origin: germline.
Comment: This sequence change replaces aspartic acid, which is acidic and polar, with tyrosine, which is neutral and polar, at codon 75 of the TAZ protein (p.Asp75Tyr). This variant is not present in population databases (gnomAD no frequency). This variant has not been reported in the literature in individuals affected with TAZ-related conditions. An algorithm developed to predict the effect of missense changes on protein structure and function (PolyPhen-2) suggests that this variant is likely to be disruptive. In summary, the available evidence is currently insufficient to determine the role of this variant in disease. Therefore, it has been classified as a Variant of Uncertain Significance.

NM_000116.5(TAFAZZIN):c.223G>T (p.Asp75Tyr)

Gene: TAFAZZIN (tafazzin, phospholipid-lysophospholipid transacylase; plus strand). Cytogenetic location: Xq28.
Variant type: single nucleotide variant.
Coding change: c.223G>T on transcript NM_000116.5 (MANE Select); coding-DNA position 223, G replaced by T.
Protein change: p.Asp75Tyr; replaces aspartic acid 75 with tyrosine.
Molecular consequence: missense variant. On other transcripts: non-coding transcript variant (1).
Genome position (GRCh38, 1-based): chrX:154,412,199, G>T. VCF-style: chrX-154412199-G-T. GRCh37 (hg19) VCF-style: chrX-153640536-G-T.
Other names: c.277G>T, p.Asp93Tyr (NM_001303465.2, NM_001410698.1); c.223G>T, p.Asp75Tyr (NM_181311.4, NM_181312.4, NM_181313.4); short protein forms D75Y, D93Y.
Identifiers: ClinVar variation 3718007 (VCV003718007.2).
Genomic context (GRCh38, chrX:154,412,199, plus strand): 5'-GAGAAGCGAGGCCCGGCCACGCCCCTCATCACCGTGTCCAATCACCAGTCCTGCATGGAC[G>T]ACCCTCATCTCTGGGGTACCCGGGCCAGTGTGCTGGGCAGGGGGAGGAAAGGCGAGGATT-3'
Protein context (NP_000107.1, residues 65-85): TVSNHQSCMD[Asp75Tyr]PHLWGILKLR